The following is an entry in ClinVar:

NM_005902.4(SMAD3):c.1218G>A (p.Trp406Ter)

Gene: SMAD3 (SMAD family member 3; plus strand). Cytogenetic location: 15q22.33.
Variant type: single nucleotide variant.
Coding change: c.1218G>A on transcript NM_005902.4 (MANE Select); coding-DNA position 1218, G replaced by A.
Protein change: p.Trp406Ter; replaces tryptophan 406 with a stop codon.
Molecular consequence: nonsense.
Genome position (GRCh38, 1-based): chr15:67,190,476, G>A. VCF-style: chr15-67190476-G-A. GRCh37 (hg19) VCF-style: chr15-67482814-G-A.
Other names: c.903G>A, p.Trp301Ter (NM_001145102.2, NM_001407016.1); c.1086G>A, p.Trp362Ter (NM_001145103.2, NM_001407012.1); c.633G>A, p.Trp211Ter (NM_001145104.2, NM_001407017.1); c.1329G>A, p.Trp443Ter (NM_001407011.1); c.1080G>A, p.Trp360Ter (NM_001407013.1); c.1071G>A, p.Trp357Ter (NM_001407014.1); c.771G>A, p.Trp257Ter (NM_001407015.1); short protein forms W257*, W301*, W362*, W406*, W211*, W357*, W360*, W443*.
Identifiers: ClinVar variation 4734189 (VCV004734189.1).
Genomic context (GRCh38, chr15:67,190,476, plus strand): 5'-ACAGACTGTGACCAGTACCCCCTGCTGGATTGAGCTGCACCTGAATGGGCCTTTGCAGTG[G>A]CTTGACAAGGTCCTCACCCAGATGGGCTCCCCAAGCATCCGCTGTTCCAGTGTGTCTTAG-3'

ClinVar aggregate classification (germline): Pathogenic (1 of 4 stars; one submission).

Conditions:
Familial thoracic aortic aneurysm and aortic dissection (TAAD). Also called: Thoracic aortic aneurysms and dissections. Identifiers: Orphanet 91387, MedGen C4707243, MONDO:0019625.

Submission:

Labcorp Genetics (formerly Invitae), Labcorp
Classification: Pathogenic for Familial thoracic aortic aneurysm and aortic dissection. Last evaluated: 2025-12-26. Review status: criteria provided, single submitter. Criteria: Invitae Variant Classification Sherloc (09022015). Collection method: clinical testing. Allele origin: germline.
Comment: This sequence change creates a premature translational stop signal (p.Trp406*) in the SMAD3 gene. While this is not anticipated to result in nonsense mediated decay, it is expected to disrupt the last 20 amino acid(s) of the SMAD3 protein. This variant is not present in population databases (gnomAD no frequency). This premature translational stop signal has been observed in individual(s) with clinical features of SMAD3-related conditions (PMID: 30661052). This variant disrupts a region of the SMAD3 protein in which other variant(s) (p.Ser425Cys) have been determined to be pathogenic (PMID: 23139211; internal data). This suggests that this is a clinically significant region of the protein, and that variants that disrupt it are likely to be disease-causing. For these reasons, this variant has been classified as Pathogenic.

Literature cited by the submitters: PubMed 30661052; PubMed 23139211.